The following is an entry in ClinVar:

NM_058174.3(COL6A2):c.2528C>G (p.Thr843Ser)

Gene: COL6A2 (collagen type VI alpha 2 chain; plus strand). Cytogenetic location: 21q22.3.
Variant type: single nucleotide variant.
Coding change: c.2528C>G on transcript NM_058174.3 (MANE Plus Clinical); coding-DNA position 2528, C replaced by G.
Protein change: p.Thr843Ser; replaces threonine 843 with serine.
Molecular consequence: missense variant. On other transcripts: 3 prime UTR variant (1), intron variant (1).
Genome position (GRCh38, 1-based): chr21:46,129,262, C>G. VCF-style: chr21-46129262-C-G. GRCh37 (hg19) VCF-style: chr21-47549176-C-G.
Other names: c.*334C>G (NM_058175.3); c.2462-2692C>G (NM_001849.4); short protein forms T843S.
Identifiers: ClinVar variation 4980269 (VCV004980269.1).

ClinVar aggregate classification (germline): Likely benign (1 of 4 stars; one submission).

Conditions:
COL6A2-related disorder.

gnomAD v4.1: 222 of 1,612,948 alleles (0.014%); highest among the groups gnomAD compares: South Asian, 0.19%; 1 homozygote.

Submission:

PreventionGenetics, part of Exact Sciences
Classification: Likely benign for COL6A2-related condition. Last evaluated: 2024-12-03. Review status: criteria provided, single submitter. Criteria: ACMG Guidelines, 2015. Collection method: clinical testing. Allele origin: germline.
Comment: This variant is classified as likely benign based on ACMG/AMP sequence variant interpretation guidelines (Richards et al. 2015 PMID: 25741868, with internal and published modifications).